The following is an entry in ClinVar:

NM_001376.5(DYNC1H1):c.4514C>G (p.Ser1505Trp)

Gene: DYNC1H1 (dynein cytoplasmic 1 heavy chain 1; plus strand). Cytogenetic location: 14q32.31.
Variant type: single nucleotide variant.
Coding change: c.4514C>G on transcript NM_001376.5 (MANE Select); coding-DNA position 4514, C replaced by G.
Protein change: p.Ser1505Trp; replaces serine 1505 with tryptophan.
Molecular consequence: missense variant.
Genome position (GRCh38, 1-based): chr14:102,001,653, C>G. VCF-style: chr14-102001653-C-G. GRCh37 (hg19) VCF-style: chr14-102467990-C-G.
Other names: short protein forms S1505W.
Identifiers: ClinVar variation 1312293 (VCV001312293.2), dbSNP rs766475544, ClinGen allele CA391042769.

ClinVar aggregate classification (germline): Uncertain significance (1 of 4 stars; one submission).

Submission:

GeneDx
Classification: Uncertain significance. Last evaluated: 2019-09-24. Review status: criteria provided, single submitter. Criteria: GeneDx Variant Classification Process June 2021. Collection method: clinical testing. Allele origin: germline. Affected: yes.
Comment: Not observed in large population cohorts (Lek et al., 2016); In silico analysis, which includes protein predictors and evolutionary conservation, supports a deleterious effect; Has not been previously published as pathogenic or benign to our knowledge